The following is an entry in ClinVar:

ClinVar aggregate classification (germline): Pathogenic. Review status: criteria provided, multiple submitters, no conflicts (2 of 4 stars). 4 submissions from 4 submitters: Pathogenic (3). 1 of the submissions does not count toward it. Last evaluated 2025-02-25.

Conditions:
DEPDC5-related disorder. Also called: DEPDC5-related condition; DEPDC5-related related disorder.
Familial focal epilepsy with variable foci (FPEVF). Identifiers: Orphanet 98820, MedGen C1858477, MONDO:0020310.
Epilepsy, familial focal, with variable foci 1 (FFEVF1). Also called: DEPDC5-Related Epilepsy. Identifiers: MedGen C4551983, MONDO:0024556, OMIM 604364.

gnomAD v4.1: 1 of 1,613,444 alleles (0.000062%); highest among the groups gnomAD compares: Non-Finnish European, 0.000085%; no homozygotes.

Submissions (4):

GeneDx
Classification: Pathogenic. Last evaluated: 2025-02-25. Review status: criteria provided, single submitter. Criteria: GeneDx Variant Classification Process June 2021. Collection method: clinical testing. Allele origin: germline. Affected: yes.
Comment: Nonsense variant predicted to result in protein truncation or nonsense mediated decay in a gene for which loss of function is a known mechanism of disease; Not observed at significant frequency in large population cohorts (gnomAD); This variant is associated with the following publications: (PMID: 23542701, 30093711, 27683934, 23542697, 34239491)

Blueprint Genetics
Classification: Pathogenic for DEPDC5-related disorders. Last evaluated: 2024-09-03. Review status: criteria provided, single submitter. Criteria: ACMG Guidelines, 2015. Collection method: clinical testing. Allele origin: germline. Affected: yes. Observed: 2 variant alleles.

Labcorp Genetics (formerly Invitae), Labcorp
Classification: Pathogenic for Familial focal epilepsy with variable foci. Last evaluated: 2023-09-22. Review status: criteria provided, single submitter. Criteria: Invitae Variant Classification Sherloc (09022015). Collection method: clinical testing. Allele origin: germline.
Comment: For these reasons, this variant has been classified as Pathogenic. ClinVar contains an entry for this variant (Variation ID: 264746). This premature translational stop signal has been observed in individual(s) with familial focal epilepsy with variable foci (PMID: 23542697). This variant is not present in population databases (gnomAD no frequency). This sequence change creates a premature translational stop signal (p.Trp1466*) in the DEPDC5 gene. It is expected to result in an absent or disrupted protein product. Loss-of-function variants in DEPDC5 are known to be pathogenic (PMID: 23542697, 23542701).

GeneReviews
No classification provided. Condition: Epilepsy, familial focal, with variable foci 1. Review status: no classification provided. Collection method: literature only. Allele origin: germline. Not counted in ClinVar's aggregate classification.

Literature cited by the submitters: PubMed 23542697 (cited by Labcorp Genetics (formerly Invitae), Labcorp and GeneReviews); PubMed 23542701 (cited by Labcorp Genetics (formerly Invitae), Labcorp); NCBI Bookshelf NBK385626 (cited by GeneReviews).

NM_001242896.3(DEPDC5):c.4397G>A (p.Trp1466Ter)

Gene: DEPDC5 (DEP domain containing 5, GATOR1 subcomplex subunit; plus strand). Cytogenetic location: 22q12.3.
Variant type: single nucleotide variant.
Coding change: c.4397G>A on transcript NM_001242896.3 (MANE Select); coding-DNA position 4397, G replaced by A.
Protein change: p.Trp1466Ter; replaces tryptophan 1466 with a stop codon.
Molecular consequence: nonsense. On other transcripts: non-coding transcript variant (5).
Genome position (GRCh38, 1-based): chr22:31,901,763, G>A. VCF-style: chr22-31901763-G-A. GRCh37 (hg19) VCF-style: chr22-32297749-G-A.
Other names: c.4370G>A, p.Trp1457Ter (NM_001136029.4); c.4097G>A, p.Trp1366Ter (NM_001242897.2); c.4331G>A, p.Trp1444Ter (NM_001363852.2, NM_001364320.2); c.4163G>A, p.Trp1388Ter (NM_001363854.2, NM_001364319.2); c.4397G>A, p.Trp1466Ter (NM_001364318.2); c.4313G>A, p.Trp1438Ter (NM_001369901.1, NM_001369902.1); c.4304G>A, p.Trp1435Ter (NM_001369903.1, NM_014662.6); short protein forms W1366*, W1466*, W1457*, W1388*, W1438*, W1435*, W1444*.
Identifiers: ClinVar variation 264746 (VCV000264746.11), dbSNP rs886039273, ClinGen allele CA10588058.